The following is an entry in ClinVar:

NM_005360.5(MAF):c.544CAC[5] (p.His187del)

Gene: MAF (MAF bZIP transcription factor; minus strand). Cytogenetic location: 16q23.2.
Variant type: Microsatellite.
Coding change: c.544CAC[5] on transcript NM_005360.5 (MANE Select); five copies in a row of the 3-base unit CAC starting at c.544; the reference has six copies in a row; one copy, 3 bases deleted.
Protein change: p.His187del; deletes histidine 187.
Molecular consequence: inframe deletion.
Genome position (GRCh38, 1-based): chr16:79,599,342-79,599,344, GTG deleted on the plus strand (CAC on the coding strand, the reverse complement: MAF is on the minus strand); deleting any 3 consecutive bases within chr16:79,599,342-79,599,361 gives the same sequence; the position shown is the placement nearest the transcript's 3' end. VCF-style (leftmost placement, unchanged base first): chr16-79599341-CGTG-C. GRCh37 (hg19) VCF-style: chr16-79633238-CGTG-C.
Other names: c.544CAC[5], p.His187del (NM_001031804.3); c.559_561delCAC (NM_005360.4); short protein forms H187del.
Identifiers: ClinVar variation 376806 (VCV000376806.5), dbSNP rs1029898670, ClinGen allele CA16603173.

ClinVar aggregate classification (germline): Likely benign. Review status: criteria provided, single submitter (1 of 4 stars). 2 submissions from 2 submitters: Likely benign (1). 1 of the submissions does not count toward it. Last evaluated 2016-09-15.

Conditions:
MAF-related disorder. Also called: MAF-related condition.

Submissions (2):

Center for Pediatric Genomic Medicine, Children's Mercy Hospital and Clinics
Classification: Likely benign. Last evaluated: 2016-09-15. Review status: criteria provided, single submitter. Criteria: ACMG Guidelines, 2015. Collection method: clinical testing. Allele origin: germline.
ClinVar note: Converted during submission from Likely Benign to Likely benign.

PreventionGenetics, part of Exact Sciences
Classification: Likely benign for MAF-related condition. Last evaluated: 2023-12-01. Review status: no assertion criteria provided. Collection method: clinical testing. Allele origin: germline. Not counted in ClinVar's aggregate classification.
Comment: This variant is classified as likely benign based on ACMG/AMP sequence variant interpretation guidelines (Richards et al. 2015 PMID: 25741868, with internal and published modifications).